The following is an entry in ClinVar:

ClinVar aggregate classification (germline): Likely benign. Review status: criteria provided, multiple submitters, no conflicts (2 of 4 stars). 5 submissions from 5 submitters: Likely benign (5). Last evaluated 2025-12-05.

Conditions:
Hereditary cancer-predisposing syndrome. Also called: Tumor predisposition; Hereditary neoplastic syndrome; Hereditary Cancer Syndrome; Neoplastic Syndromes, Hereditary. Identifiers: Orphanet 140162, MedGen C0027672, MeSH D009386, MONDO:0015356.
Baller-Gerold syndrome (BGS). Also called: CRANIOSYNOSTOSIS WITH RADIAL DEFECTS. Identifiers: Orphanet 1225, MedGen C0265308, MONDO:0009039, OMIM 218600.

Allele frequency attached by ClinVar (database versions not stated): gnomAD exomes 0.00008; ExAC 0.00009; gnomAD 0.00009; TOPMed 0.00011; 1000 Genomes Project 30x 0.00016; 1000 Genomes Project 0.00020.
gnomAD v4.1: 131 of 1,609,014 alleles (0.0081%); highest among the groups gnomAD compares: Non-Finnish European, 0.0099%; no homozygotes.

Submissions (5):

Labcorp Genetics (formerly Invitae), Labcorp
Classification: Likely benign for Baller-Gerold syndrome. Last evaluated: 2025-12-05. Review status: criteria provided, single submitter. Criteria: Invitae Variant Classification Sherloc (09022015). Collection method: clinical testing. Allele origin: germline.

CeGaT Center for Human Genetics Tuebingen
Classification: Likely benign. Last evaluated: 2025-08-01. Review status: criteria provided, single submitter. Criteria: CeGaT Center For Human Genetics Tuebingen Variant Classification Criteria Version 2. Collection method: clinical testing. Allele origin: germline. Affected: yes. Observed: 1 variant allele.
Comment: RECQL4: BP4, BP7

Blueprint Genetics
Classification: Likely benign. Last evaluated: 2024-11-23. Review status: criteria provided, single submitter. Criteria: ACMG Guidelines, 2015. Collection method: clinical testing. Allele origin: germline.

Genetic Services Laboratory, University of Chicago
Classification: Likely benign. Last evaluated: 2021-12-16. Review status: criteria provided, single submitter. Criteria: ACMG Guidelines, 2015. Collection method: clinical testing. Allele origin: germline. Affected: no.

Sema4
Classification: Likely benign for Hereditary cancer-predisposing syndrome. Last evaluated: 2020-12-21. Review status: criteria provided, single submitter. Criteria: Sema4 Curation Guidelines. Collection method: curation. Allele origin: germline.

NM_004260.4(RECQL4):c.681C>T (p.Val227=)

Gene: RECQL4 (RecQ like helicase 4; minus strand). Cytogenetic location: 8q24.3.
Variant type: single nucleotide variant.
Coding change: c.681C>T on transcript NM_004260.4 (MANE Select); coding-DNA position 681, C replaced by T.
Protein change: p.Val227=; no amino-acid change (valine 227 retained).
Molecular consequence: synonymous variant.
Genome position (GRCh38, 1-based): chr8:144,516,438, G>A on the plus strand (C>T on the coding strand, the complement: RECQL4 is on the minus strand). VCF-style: chr8-144516438-G-A. GRCh37 (hg19) VCF-style: chr8-145741822-G-A.
Identifiers: ClinVar variation 414183 (VCV000414183.23), dbSNP rs567959067, ClinGen allele CA4949207.